The following is an entry in ClinVar:

ClinVar aggregate classification (germline): Uncertain significance. Review status: criteria provided, multiple submitters, no conflicts (2 of 4 stars). 3 submissions from 3 submitters: Uncertain significance (3). Last evaluated 2025-08-21.

Conditions:
Peroxisome biogenesis disorder 11A (Zellweger). Also called: Peroxisome biogenesis disorder 11A. Identifiers: Orphanet 912, MedGen C3554000, MONDO:0013949, OMIM 614883.
Inborn genetic diseases. Identifiers: MedGen C0950123, MeSH D030342.

Allele frequency attached by ClinVar (database versions not stated): ExAC 0.00004; gnomAD exomes 0.00004 and 0.00005; TOPMed 0.00004; gnomAD 0.00005.
gnomAD v4.1: 60 of 1,613,678 alleles (0.0037%); highest among the groups gnomAD compares: African/African-American, 0.0067%; no homozygotes.

Submissions (3):

Ambry Genetics
Classification: Uncertain significance for Inborn genetic diseases. Last evaluated: 2025-08-21. Review status: criteria provided, single submitter. Criteria: Ambry Variant Classification Scheme 2023. Collection method: clinical testing. Allele origin: germline.

Blueprint Genetics
Classification: Uncertain significance. Last evaluated: 2024-11-11. Review status: criteria provided, single submitter. Criteria: ACMG Guidelines, 2015. Collection method: clinical testing. Allele origin: germline.

Labcorp Genetics (formerly Invitae), Labcorp
Classification: Uncertain significance for Peroxisome biogenesis disorder 11A (Zellweger). Last evaluated: 2022-06-15. Review status: criteria provided, single submitter. Criteria: Invitae Variant Classification Sherloc (09022015). Collection method: clinical testing. Allele origin: germline.
Comment: This sequence change replaces arginine, which is basic and polar, with tryptophan, which is neutral and slightly polar, at codon 194 of the PEX13 protein (p.Arg194Trp). This variant is present in population databases (rs774157693, gnomAD 0.01%). This variant has not been reported in the literature in individuals affected with PEX13-related conditions. ClinVar contains an entry for this variant (Variation ID: 957323). Algorithms developed to predict the effect of missense changes on protein structure and function (SIFT, PolyPhen-2, Align-GVGD) all suggest that this variant is likely to be tolerated. In summary, the available evidence is currently insufficient to determine the role of this variant in disease. Therefore, it has been classified as a Variant of Uncertain Significance.

NM_002618.4(PEX13):c.580C>T (p.Arg194Trp)

Gene: PEX13 (peroxisomal biogenesis factor 13; plus strand). Cytogenetic location: 2p15.
Variant type: single nucleotide variant.
Coding change: c.580C>T on transcript NM_002618.4 (MANE Select); coding-DNA position 580, C replaced by T.
Protein change: p.Arg194Trp; replaces arginine 194 with tryptophan.
Molecular consequence: missense variant.
Genome position (GRCh38, 1-based): chr2:61,031,906, C>T. VCF-style: chr2-61031906-C-T. GRCh37 (hg19) VCF-style: chr2-61259041-C-T.
Other names: short protein forms R194W.
Identifiers: ClinVar variation 957323 (VCV000957323.7), dbSNP rs774157693, ClinGen allele CA1673315.